The following is an entry in ClinVar:

ClinVar aggregate classification (germline): Uncertain significance (1 of 4 stars; one submission).

Conditions:
RYR1-related disorder. Also called: RYR1-related condition; RYR1-related disorders. Identifiers: MedGen CN239331.

Allele frequency attached by ClinVar (database versions not stated): TOPMed below 0.00001.
gnomAD v4.1: 7 of 1,486,576 alleles (0.00047%); highest among the groups gnomAD compares: Admixed American, 0.0022%; no homozygotes.

Submission:

Labcorp Genetics (formerly Invitae), Labcorp
Classification: Uncertain significance for RYR1-related disorder. Last evaluated: 2024-06-03. Review status: criteria provided, single submitter. Criteria: Invitae Variant Classification Sherloc (09022015). Collection method: clinical testing. Allele origin: germline.
Comment: This sequence change replaces glycine, which is neutral and non-polar, with aspartic acid, which is acidic and polar, at codon 4407 of the RYR1 protein (p.Gly4407Asp). The frequency data for this variant in the population databases is considered unreliable, as metrics indicate poor data quality at this position in the gnomAD database. This variant has not been reported in the literature in individuals affected with RYR1-related conditions. ClinVar contains an entry for this variant (Variation ID: 1461903). Advanced modeling of protein sequence and biophysical properties (such as structural, functional, and spatial information, amino acid conservation, physicochemical variation, residue mobility, and thermodynamic stability) performed at Invitae indicates that this missense variant is not expected to disrupt RYR1 protein function with a negative predictive value of 95%. In summary, the available evidence is currently insufficient to determine the role of this variant in disease. Therefore, it has been classified as a Variant of Uncertain Significance.

NM_000540.3(RYR1):c.13220G>A (p.Gly4407Asp)

Gene: RYR1 (ryanodine receptor 1; plus strand). Cytogenetic location: 19q13.2.
Variant type: single nucleotide variant.
Coding change: c.13220G>A on transcript NM_000540.3 (MANE Select); coding-DNA position 13220, G replaced by A.
Protein change: p.Gly4407Asp; replaces glycine 4407 with aspartic acid.
Molecular consequence: missense variant.
Genome position (GRCh38, 1-based): chr19:38,565,554, G>A. VCF-style: chr19-38565554-G-A. GRCh37 (hg19) VCF-style: chr19-39056194-G-A.
Other names: c.13205G>A, p.Gly4402Asp (NM_001042723.2); short protein forms G4402D, G4407D.
Identifiers: ClinVar variation 1461903 (VCV001461903.7), dbSNP rs761108833, ClinGen allele CA405674427.